The following is an entry in ClinVar:

NM_006767.4(LZTR1):c.992del (p.Glu331fs)

Gene: LZTR1 (leucine zipper like post translational regulator 1; plus strand). Cytogenetic location: 22q11.21.
Variant type: Deletion.
Coding change: c.992del on transcript NM_006767.4 (MANE Select); coding-DNA position 992, one base deleted (A; older notation c.992delA).
Protein change: p.Glu331fs; shifts the reading frame from glutamic acid 331.
Molecular consequence: frameshift variant.
Genome position (GRCh38, 1-based): chr22:20,991,828, A deleted. VCF-style (leftmost placement, unchanged base first): chr22-20991827-GA-G. GRCh37 (hg19) VCF-style: chr22-21346116-GA-G.
Other names: short protein forms E331fs.
Identifiers: ClinVar variation 1422315 (VCV001422315.6), dbSNP rs2147965105, ClinGen allele CA2573157799.

ClinVar aggregate classification (germline): Pathogenic (1 of 4 stars; one submission).

Submission:

Labcorp Genetics (formerly Invitae), Labcorp
Classification: Pathogenic. Last evaluated: 2022-03-19. Review status: criteria provided, single submitter. Criteria: Invitae Variant Classification Sherloc (09022015). Collection method: clinical testing. Allele origin: germline.
Comment: For these reasons, this variant has been classified as Pathogenic. This variant has not been reported in the literature in individuals affected with LZTR1-related conditions. This variant is not present in population databases (gnomAD no frequency). This sequence change creates a premature translational stop signal (p.Glu331Glyfs*20) in the LZTR1 gene. It is expected to result in an absent or disrupted protein product. Loss-of-function variants in LZTR1 are known to be pathogenic (PMID: 24362817, 25335493, 25480913, 25795793, 29469822, 30442762, 30442766, 30481304, 30859559).

Literature cited by the submitters: PubMed 24362817; PubMed 25335493; PubMed 25480913; PubMed 25795793; PubMed 29469822; PubMed 30442762; PubMed 30442766; PubMed 30481304; PubMed 30859559.